The following is an entry in ClinVar:

NM_032043.3(BRIP1):c.3293C>T (p.Ala1098Val)

Gene: BRIP1 (BRCA1 interacting DNA helicase 1; minus strand). Cytogenetic location: 17q23.2.
Variant type: single nucleotide variant.
Coding change: c.3293C>T on transcript NM_032043.3 (MANE Select); coding-DNA position 3293, C replaced by T.
Protein change: p.Ala1098Val; replaces alanine 1098 with valine.
Molecular consequence: missense variant.
Genome position (GRCh38, 1-based): chr17:61,683,753, G>A on the plus strand (C>T on the coding strand, the complement: BRIP1 is on the minus strand). VCF-style: chr17-61683753-G-A. GRCh37 (hg19) VCF-style: chr17-59761114-G-A.
Other names: short protein forms A1098V.
Identifiers: ClinVar variation 1729867 (VCV001729867.8), dbSNP rs1361161166, ClinGen allele CA400479039.

ClinVar aggregate classification (germline): Conflicting classifications of pathogenicity. Review status: criteria provided, conflicting classifications (1 of 4 stars). 2 submissions from 2 submitters: Uncertain significance (1); Likely benign (1). Last evaluated 2025-11-04.

Conditions:
Hereditary cancer-predisposing syndrome. Also called: Neoplastic Syndromes, Hereditary; Tumor predisposition; Hereditary Cancer Syndrome; Hereditary neoplastic syndrome. Identifiers: Orphanet 140162, MedGen C0027672, MeSH D009386, MONDO:0015356.
Fanconi anemia complementation group J. Also called: BRIP1-Related Fanconi Anemia. Identifiers: Orphanet 84, MedGen C1836860, MONDO:0012187, OMIM 609054.
Familial cancer of breast. Also called: BREAST CANCER, FAMILIAL; Hereditary breast cancer; hereditary breast carcinoma. Identifiers: Orphanet 227535, MedGen C0346153, MONDO:0016419, OMIM 114480. Disease mechanism: loss of function.

gnomAD v4.1: 1 of 1,614,106 alleles (0.000062%); highest among the groups gnomAD compares: Non-Finnish European, 0.000085%; no homozygotes.

Submissions (2):

Ambry Genetics
Classification: Likely benign for Hereditary cancer-predisposing syndrome. Last evaluated: 2025-11-04. Review status: criteria provided, single submitter. Criteria: Ambry Variant Classification Scheme 2023. Collection method: clinical testing. Allele origin: germline.

Labcorp Genetics (formerly Invitae), Labcorp
Classification: Uncertain significance for Familial cancer of breast; Fanconi anemia complementation group J. Last evaluated: 2022-02-22. Review status: criteria provided, single submitter. Criteria: Invitae Variant Classification Sherloc (09022015). Collection method: clinical testing. Allele origin: germline.
Comment: This sequence change replaces alanine, which is neutral and non-polar, with valine, which is neutral and non-polar, at codon 1098 of the BRIP1 protein (p.Ala1098Val). This variant is not present in population databases (gnomAD no frequency). This variant has not been reported in the literature in individuals affected with BRIP1-related conditions. Algorithms developed to predict the effect of missense changes on protein structure and function (SIFT, PolyPhen-2, Align-GVGD) all suggest that this variant is likely to be tolerated. In summary, the available evidence is currently insufficient to determine the role of this variant in disease. Therefore, it has been classified as a Variant of Uncertain Significance.